The following is an entry in ClinVar:

NM_003098.3(SNTA1):c.440C>A (p.Thr147Asn)

Gene: SNTA1 (syntrophin alpha 1; minus strand). Cytogenetic location: 20q11.21.
Variant type: single nucleotide variant.
Coding change: c.440C>A on transcript NM_003098.3 (MANE Select); coding-DNA position 440, C replaced by A.
Protein change: p.Thr147Asn; replaces threonine 147 with asparagine.
Molecular consequence: missense variant.
Genome position (GRCh38, 1-based): chr20:33,438,897, G>T on the plus strand (C>A on the coding strand, the complement: SNTA1 is on the minus strand). VCF-style: chr20-33438897-G-T. GRCh37 (hg19) VCF-style: chr20-32026703-G-T.
Other names: p.T147N:ACC>AAC; short protein forms T147N.
Identifiers: ClinVar variation 190930 (VCV000190930.27), dbSNP rs141724500, ClinGen allele CA235722.

ClinVar aggregate classification (germline): Conflicting classifications of pathogenicity. Review status: criteria provided, conflicting classifications (1 of 4 stars). 7 submissions from 7 submitters: Uncertain significance (3); Benign (1); Likely benign (3). Last evaluated 2026-01-29.

Conditions:
Cardiovascular phenotype. Identifiers: MedGen CN230736.
Long QT syndrome (LQTS). Identifiers: MedGen C0023976, MeSH D008133, MONDO:0002442. Disease mechanism: loss of function. Inheritance: Various modes of inheritance.
Long QT syndrome 12 (LQT12). Identifiers: Orphanet 101016, Orphanet 768, MedGen C2751830, MONDO:0013062, OMIM 612955.
Long QT syndrome 1 (LQT1). Identifiers: Orphanet 101016, Orphanet 768, MedGen C4551647, MONDO:0100316, OMIM 192500, MONDO:0008646.

Allele frequency attached by ClinVar (database versions not stated): 1000 Genomes Project 0.00040; 1000 Genomes Project 30x 0.00047; gnomAD 0.00067; ESP Exome Variant Server 0.00077; TOPMed 0.00095.
gnomAD v4.1: 182 of 1,614,106 alleles (0.011%); highest among the groups gnomAD compares: African/African-American, 0.24%; no homozygotes.

Submissions (7):

Labcorp Genetics (formerly Invitae), Labcorp
Classification: Likely benign for Long QT syndrome. Last evaluated: 2026-01-29. Review status: criteria provided, single submitter. Criteria: Invitae Variant Classification Sherloc (09022015). Collection method: clinical testing. Allele origin: germline.

Women's Health and Genetics/Laboratory Corporation of America, LabCorp
Classification: Likely benign. Last evaluated: 2025-07-24. Review status: criteria provided, single submitter. Criteria: LabCorp Variant Classification Summary - May 2015. Collection method: clinical testing. Allele origin: germline.

GeneDx
Classification: Uncertain significance. Last evaluated: 2025-04-16. Review status: criteria provided, single submitter. Criteria: GeneDx Variant Classification Process June 2021. Collection method: clinical testing. Allele origin: germline. Affected: yes.
Comment: Reported in a patient who experienced drug-induced torsades de pointes following ganciclovir and sirolimus use (PMID: 22584458), and in a patient with dilated cardiomyopathy (PMID: 32746448); however, both patients also harbored variants in other cardiac phenotype-related genes, and segregation studies were not reported; Reported in one individual from a cohort of individuals not selected for cardiomyopathy, arrhythmia, or family history of sudden cardiac death, who underwent exome sequencing (PMID: 23861362); In silico analysis supports that this missense variant has a deleterious effect on protein structure/function; This variant is associated with the following publications: (PMID: 23834499, 24014171, 32746448, 23861362, 22584458)

Ambry Genetics
Classification: Likely benign for Cardiovascular phenotype. Last evaluated: 2019-09-23. Review status: criteria provided, single submitter. Criteria: Ambry Variant Classification Scheme 2023. Collection method: clinical testing. Allele origin: germline.

Mendelics
Classification: Uncertain significance for Long QT syndrome 1. Last evaluated: 2019-05-28. Review status: criteria provided, single submitter. Criteria: Mendelics Assertion Criteria 2017. Collection method: clinical testing. Allele origin: unknown.

Illumina Laboratory Services, Illumina
Classification: Benign for Long QT syndrome 12. Last evaluated: 2017-04-28. Review status: criteria provided, single submitter. Criteria: ICSL Variant Classification Criteria 13 December 2019. Collection method: clinical testing. Allele origin: germline.
Comment: This variant was observed as part of a predisposition screen in an ostensibly healthy population. A literature search was performed for the gene, cDNA change, and amino acid change (where applicable). Publications were found based on this search. The evidence from the literature, in combination with allele frequency data from public databases where available, was sufficient to rule this variant out of causing disease. Therefore, this variant is classified as benign.

Biesecker Lab/Clinical Genomics Section, National Institutes of Health
Classification: Uncertain significance. Last evaluated: 2013-06-24. Review status: criteria provided, single submitter. Criteria: Ng et al. (Circ Cardiovasc Genet. 2013). Collection method: research. Allele origin: unknown. Observed: 1 variant allele. Study: ClinSeq.
Comment: The study set was not selected for affection status in relation to any cancer. Pathogenicity categories were based on literature curation. See Pubmed ID:23861362 for details.

Medical sequencing

Literature cited by the submitters: PubMed 22584458 (cited by Ambry Genetics and Illumina Laboratory Services, Illumina); PubMed 23861362 (cited by Ambry Genetics); PubMed 24014171 (cited by Illumina Laboratory Services, Illumina); PubMed 23834499 (cited by Illumina Laboratory Services, Illumina).